The following is an entry in ClinVar:

NM_199420.4(POLQ):c.5989G>T (p.Asp1997Tyr)

Gene: POLQ (DNA polymerase theta; minus strand). Cytogenetic location: 3q13.33.
Variant type: single nucleotide variant.
Coding change: c.5989G>T on transcript NM_199420.4 (MANE Select); coding-DNA position 5989, G replaced by T.
Protein change: p.Asp1997Tyr; replaces aspartic acid 1997 with tyrosine.
Molecular consequence: missense variant.
Genome position (GRCh38, 1-based): chr3:121,481,794, C>A on the plus strand (G>T on the coding strand, the complement: POLQ is on the minus strand). VCF-style: chr3-121481794-C-A. GRCh37 (hg19) VCF-style: chr3-121200641-C-A.
Other names: short protein forms D1997Y.
Identifiers: ClinVar variation 1750873 (VCV001750873.2), dbSNP rs1560095119, ClinGen allele CA354088320.

ClinVar aggregate classification (germline): Uncertain significance (1 of 4 stars; one submission).

Submission:

Ambry Genetics
Classification: Uncertain significance. Last evaluated: 2021-12-10. Review status: criteria provided, single submitter. Criteria: Ambry Variant Classification Scheme 2023. Collection method: clinical testing. Allele origin: germline.
Comment: The p.D1997Y variant (also known as c.5989G>T), located in coding exon 19 of the POLQ gene, results from a G to T substitution at nucleotide position 5989. The aspartic acid at codon 1997 is replaced by tyrosine, an amino acid with highly dissimilar properties. This amino acid position is conserved. In addition, the in silico prediction for this alteration is inconclusive. Since supporting evidence is limited at this time, the clinical significance of this alteration remains unclear.